The following is an entry in ClinVar:

ClinVar aggregate classification (germline): Uncertain significance (1 of 4 stars; one submission).

Conditions:
Werner syndrome (WRN). Identifiers: Orphanet 902, MedGen C0043119, MONDO:0010196, OMIM 277700.

gnomAD v4.1: 1 of 1,613,620 alleles (0.000062%); highest among the groups gnomAD compares: Admixed American, 0.0017%; no homozygotes.

Submission:

Labcorp Genetics (formerly Invitae), Labcorp
Classification: Uncertain significance for Werner syndrome. Last evaluated: 2024-05-07. Review status: criteria provided, single submitter. Criteria: Invitae Variant Classification Sherloc (09022015). Collection method: clinical testing. Allele origin: germline.
Comment: This sequence change replaces aspartic acid, which is acidic and polar, with tyrosine, which is neutral and polar, at codon 152 of the WRN protein (p.Asp152Tyr). This variant is present in population databases (no rsID available, gnomAD 0.003%). This variant has not been reported in the literature in individuals affected with WRN-related conditions. An algorithm developed to predict the effect of missense changes on protein structure and function (PolyPhen-2) suggests that this variant is likely to be disruptive. In summary, the available evidence is currently insufficient to determine the role of this variant in disease. Therefore, it has been classified as a Variant of Uncertain Significance.

NM_000553.6(WRN):c.454G>T (p.Asp152Tyr)

Gene: WRN (WRN RecQ like helicase; plus strand). Cytogenetic location: 8p12.
Variant type: single nucleotide variant.
Coding change: c.454G>T on transcript NM_000553.6 (MANE Select); coding-DNA position 454, G replaced by T.
Protein change: p.Asp152Tyr; replaces aspartic acid 152 with tyrosine.
Molecular consequence: missense variant.
Genome position (GRCh38, 1-based): chr8:31,065,013, G>T. VCF-style: chr8-31065013-G-T. GRCh37 (hg19) VCF-style: chr8-30922529-G-T.
Other names: short protein forms D152Y.
Identifiers: ClinVar variation 3704836 (VCV003704836.1).